The following is an entry in ClinVar:

ClinVar aggregate classification (germline): Uncertain significance (1 of 4 stars; one submission).

Conditions:
Classic or attenuated familial adenomatous polyposis. Identifiers: MedGen CN372698, MONDO:0021057.

gnomAD v4.1: 3 of 1,614,076 alleles (0.00019%); highest among the groups gnomAD compares: Non-Finnish European, 0.00025%; no homozygotes.

Submission:

All of Us Research Program, National Institutes of Health
Classification: Uncertain significance for Classic or attenuated familial adenomatous polyposis. Last evaluated: 2023-08-15. Review status: criteria provided, single submitter. Criteria: ACMG Guidelines, 2015. Collection method: clinical testing. Allele origin: germline. Inheritance: Autosomal dominant inheritance. Observed: 1 variant allele, 1 heterozygote.
Comment: This missense variant replaces methionine with leucine at codon 2221 of the APC protein. Computational prediction suggests that this variant may not impact protein structure and function (internally defined REVEL score threshold <= 0.5, PMID: 27666373). To our knowledge, functional studies have not been reported for this variant. This variant has not been reported in individuals affected with APC-related disorders in the literature. This variant has not been identified in the general population by the Genome Aggregation Database (gnomAD). The available evidence is insufficient to determine the role of this variant in disease conclusively. Therefore, this variant is classified as a Variant of Uncertain Significance.

This study involves interpretation of variants in research participants for the purpose of population health screening. Participant phenotype was not available at the time of variant classification. Additional details can be found in publication PMID: 35346344, PMCID: PMC8962531

NM_000038.6(APC):c.6661A>T (p.Met2221Leu)

Gene: APC (APC regulator of WNT signaling pathway; plus strand). Cytogenetic location: 5q22.2.
Variant type: single nucleotide variant.
Coding change: c.6661A>T on transcript NM_000038.6 (MANE Select); coding-DNA position 6661, A replaced by T.
Protein change: p.Met2221Leu; replaces methionine 2221 with leucine.
Molecular consequence: missense variant. On other transcripts: non-coding transcript variant (2).
Genome position (GRCh38, 1-based): chr5:112,842,255, A>T. VCF-style: chr5-112842255-A-T. GRCh37 (hg19) VCF-style: chr5-112177952-A-T.
Other names: c.6661A>T, p.Met2221Leu (NM_001127510.3, NM_001354895.2, NM_001407450.1); c.6607A>T, p.Met2203Leu (NM_001127511.3); c.6715A>T, p.Met2239Leu (NM_001354896.2, NM_001407447.1, NM_001407448.1 and 1 more transcripts); c.6691A>T, p.Met2231Leu (NM_001354897.2); c.6586A>T, p.Met2196Leu (NM_001354898.2); c.6577A>T, p.Met2193Leu (NM_001354899.2); c.6538A>T, p.Met2180Leu (NM_001354900.2); c.6484A>T, p.Met2162Leu (NM_001354901.2, NM_001407453.1); and 11 more; short protein forms M1837L, M1938L, M2061L, M2092L, M2095L, M2120L, M2130L, M2138L.
Identifiers: ClinVar variation 3072762 (VCV003072762.1), dbSNP rs772397468, ClinGen allele CA16035902.